The following is an entry in ClinVar:

ClinVar aggregate classification (germline): Uncertain significance (1 of 4 stars; one submission).

Conditions:
Developmental and epileptic encephalopathy, 8 (DEE8). Also called: HYPEREKPLEXIA AND EPILEPSY. Identifiers: Orphanet 163985, Orphanet 2076, MedGen C1845102, MONDO:0010375, OMIM 300607.

Allele frequency attached by ClinVar (database versions not stated): gnomAD exomes 0.00002 and 0.00003; gnomAD 0.00011 and 0.00015; TOPMed 0.00016; 1000 Genomes Project 0.00106; 1000 Genomes Project 30x 0.00146.
gnomAD v4.1: 31 of 520,387 alleles (0.006%); highest among the groups gnomAD compares: Admixed American, 0.071%; no homozygotes.

Submission:

New York Genome Center
Classification: Uncertain significance for Developmental and epileptic encephalopathy, 8. Last evaluated: 2020-03-17. Review status: criteria provided, single submitter. Criteria: NYGC Assertion Criteria 2020. Collection method: clinical testing. Allele origin: inherited. Observed: 1 hemizygote. Study: CSER-NYCKidSeq.
Comment: The hemizygous c*2684A>G variant is a rare variant in the 3’ UTR of the ARHGEF9 gene (exon 9/9, 3’UTR position 2866/3243). The Adenine nucleotide at this position is well conserved. This variant is found with low frequency in gnomAD (2 heterozygotes, 0 homozygotes, 0 hemizygotes; allele frequency:1.94e-5) suggesting it is not a common benign variant in the populations represented in this database. This variant is absent from ClinVar and to our current knowledge has not been reported in affected individuals in the literature. The c.*2684A>G variant in the ARHGEF9 gene is reported here as a Variant of Uncertain Significance.

NM_001353921.2(ARHGEF9):c.*2684A>G

Gene: ARHGEF9 (Cdc42 guanine nucleotide exchange factor 9; minus strand). Cytogenetic location: Xq11.1.
Variant type: single nucleotide variant.
Coding change: c.*2684A>G on transcript NM_001353921.2 (MANE Select); 2684 bases downstream of the stop codon, A replaced by G.
Molecular consequence: 3 prime UTR variant.
Genome position (GRCh38, 1-based): chrX:63,635,344, T>C on the plus strand (A>G on the coding strand, the complement: ARHGEF9 is on the minus strand). VCF-style: chrX-63635344-T-C. GRCh37 (hg19) VCF-style: chrX-62855224-T-C.
Other names: c.*2684A>G (NM_001173479.2, NM_001173480.2, NM_001330495.2 and 21 more transcripts); c.*2893A>G (NM_001369043.1, NM_001369044.1).
Identifiers: ClinVar variation 983380 (VCV000983380.2), dbSNP rs189661969, ClinGen allele CA330341779.
Genomic context (GRCh38, chrX:63,635,344, plus strand): 5'-GGGGGGGAAAAAGAGAGAATAATTAGATGTCTGTCTTAGGACTCCCCACAGCAGGTCCCA[T>C]TGAACACACTAGCAAAGCCTTTTGGAGAGCAAATCCTGGCCTCACTGAGTTGAGGAAAAG-3'